The following is an entry in ClinVar:

ClinVar aggregate classification (germline): Uncertain significance. Review status: criteria provided, multiple submitters, no conflicts (2 of 4 stars). 2 submissions from 2 submitters: Uncertain significance (2). Last evaluated 2022-09-21.

Conditions:
Succinate-semialdehyde dehydrogenase deficiency (SSADHD). Also called: Succinic Semialdehyde Dehydrogenase Deficiency; SSADH DEFICIENCY; GABA METABOLIC DEFECT; 4-HYDROXYBUTYRIC ACIDURIA. Identifiers: Orphanet 22, MedGen C0268631, MONDO:0010083, OMIM 271980.

Allele frequency attached by ClinVar (database versions not stated): gnomAD exomes below 0.00001 and 0.00001; TOPMed below 0.00001; ExAC 0.00001; gnomAD 0.00001; 1000 Genomes Project 30x 0.00016; 1000 Genomes Project 0.00020.
gnomAD v4.1: 4 of 1,613,952 alleles (0.00025%); highest among the groups gnomAD compares: East Asian, 0.0089%; no homozygotes.

Submissions (2):

Labcorp Genetics (formerly Invitae), Labcorp
Classification: Uncertain significance for Succinate-semialdehyde dehydrogenase deficiency. Last evaluated: 2022-09-21. Review status: criteria provided, single submitter. Criteria: Invitae Variant Classification Sherloc (09022015). Collection method: clinical testing. Allele origin: germline.
Comment: This sequence change replaces glutamic acid, which is acidic and polar, with glycine, which is neutral and non-polar, at codon 437 of the ALDH5A1 protein (p.Glu437Gly). This variant is present in population databases (rs201834553, gnomAD 0.006%). This variant has not been reported in the literature in individuals affected with ALDH5A1-related conditions. ClinVar contains an entry for this variant (Variation ID: 1422478). Advanced modeling of protein sequence and biophysical properties (such as structural, functional, and spatial information, amino acid conservation, physicochemical variation, residue mobility, and thermodynamic stability) performed at Invitae indicates that this missense variant is not expected to disrupt ALDH5A1 protein function. In summary, the available evidence is currently insufficient to determine the role of this variant in disease. Therefore, it has been classified as a Variant of Uncertain Significance.

Blueprint Genetics
Classification: Uncertain significance. Last evaluated: 2019-08-30. Review status: criteria provided, single submitter. Criteria: ACMG Guidelines, 2015. Collection method: clinical testing. Allele origin: germline.

NM_001080.3(ALDH5A1):c.1310A>G (p.Glu437Gly)

Gene: ALDH5A1 (aldehyde dehydrogenase 5 family member A1; plus strand). Cytogenetic location: 6p22.3.
Variant type: single nucleotide variant.
Coding change: c.1310A>G on transcript NM_001080.3 (MANE Select); coding-DNA position 1310, A replaced by G.
Protein change: p.Glu437Gly; replaces glutamic acid 437 with glycine.
Molecular consequence: missense variant.
Genome position (GRCh38, 1-based): chr6:24,528,133, A>G. VCF-style: chr6-24528133-A-G. GRCh37 (hg19) VCF-style: chr6-24528361-A-G.
Other names: c.1166A>G, p.Glu389Gly (NM_001368954.1); c.1349A>G, p.Glu450Gly (NM_170740.1); short protein forms E389G, E437G, E450G.
Identifiers: ClinVar variation 1422478 (VCV001422478.4), dbSNP rs201834553, ClinGen allele CA3656901.
Genomic context (GRCh38, chr6:24,528,133, plus strand): 5'-AAAATTTCTTTGAGCCTACCCTGCTGTGCAATGTCACCCAGGACATGCTGTGCACTCATG[A>G]AGAGACTTTCGGGCCTCTGGCACCAGTTATCAAGTAAGATCCTCCAGCCAGCGGGGAGAT-3'
Protein context (NP_001071.1, residues 427-447): NVTQDMLCTH[Glu437Gly]ETFGPLAPVI